The following is an entry in ClinVar:

NM_000179.3(MSH6):c.3117C>G (p.Asn1039Lys)

Gene: MSH6 (mutS homolog 6; plus strand). Cytogenetic location: 2p16.3.
Variant type: single nucleotide variant.
Coding change: c.3117C>G on transcript NM_000179.3 (MANE Select); coding-DNA position 3117, C replaced by G.
Protein change: p.Asn1039Lys; replaces asparagine 1039 with lysine.
Molecular consequence: missense variant.
Genome position (GRCh38, 1-based): chr2:47,801,100, C>G. VCF-style: chr2-47801100-C-G. GRCh37 (hg19) VCF-style: chr2-48028239-C-G.
Other names: c.2727C>G, p.Asn909Lys (NM_001281492.2); c.2211C>G, p.Asn737Lys (NM_001281493.2, NM_001281494.2); short protein forms N1039K, N737K, N909K.
Identifiers: ClinVar variation 479945 (VCV000479945.18), dbSNP rs1553414533, ClinGen allele CA346756628.

ClinVar aggregate classification (germline): Uncertain significance. Review status: criteria provided, multiple submitters, no conflicts (2 of 4 stars). 5 submissions from 5 submitters: Uncertain significance (5). Last evaluated 2025-07-10.

Conditions:
Hereditary cancer-predisposing syndrome. Also called: Hereditary Cancer Syndrome; Neoplastic Syndromes, Hereditary; Tumor predisposition; Hereditary neoplastic syndrome. Identifiers: Orphanet 140162, MedGen C0027672, MeSH D009386, MONDO:0015356.
Hereditary nonpolyposis colorectal neoplasms. Identifiers: MedGen C0009405, MeSH D003123.

Submissions (5):

Color Diagnostics, LLC DBA Color Health
Classification: Uncertain significance for Hereditary cancer-predisposing syndrome. Last evaluated: 2025-07-10. Review status: criteria provided, single submitter. Criteria: ACMG Guidelines, 2015. Collection method: clinical testing. Allele origin: germline.
Comment: This missense variant replaces asparagine with lysine at codon 1039 of the MSH6 protein. Computational prediction suggests that this variant may not impact protein structure and function. To our knowledge, functional studies have not been reported for this variant. This variant has not been reported in individuals affected with MSH6-related disorders in the literature. This variant has not been identified in the general population by the Genome Aggregation Database (gnomAD). The available evidence is insufficient to determine the role of this variant in disease conclusively. Therefore, this variant is classified as a Variant of Uncertain Significance.

Ambry Genetics
Classification: Uncertain significance for Hereditary cancer-predisposing syndrome. Last evaluated: 2025-06-17. Review status: criteria provided, single submitter. Criteria: Ambry Variant Classification Scheme 2023. Collection method: clinical testing. Allele origin: germline.
Comment: The p.N1039K variant (also known as c.3117C>G), located in coding exon 4 of the MSH6 gene, results from a C to G substitution at nucleotide position 3117. The asparagine at codon 1039 is replaced by lysine, an amino acid with similar properties. This amino acid position is highly conserved in available vertebrate species. In addition, the in silico prediction for this alteration is inconclusive. In addition, the CoDP in silico tool predicts this alteration to have minor impact on molecular function, with a score of 0.001 (Terui H et al. J. Biomed. Sci. 2013;20:25). Since supporting evidence is limited at this time, the clinical significance of this alteration remains unclear.

Molecular Diagnostics Laboratory, Catalan Institute of Oncology
Classification: Uncertain significance for Hereditary cancer-predisposing syndrome. Last evaluated: 2025-05-28. Review status: criteria provided, single submitter. Criteria: ClinGen CRC ACMG Specifications MSH6 V1.0.0. Collection method: clinical testing. Allele origin: germline.
Comment: PM2_Supporting, BP4 c.3117C>G, located in exon 4 of the MSH6 gene, is predicted to result in the substitution of Asn by Lys at codon 1039, p.(Asn1039Lys). This variant is absent from the GnomAD v4.1.0 database (PM2_Supporting). Computational tools for this variant suggests no significant impact on splicing and does not affect the protein function (MAPP+PolyPhen-2 prior probability for pathogenicity: 0.0007) (BP4). To our knowledge, neither individuals with Lynch syndrome-related conditions nor functional studies have been reported in the literature for this variant. In addition, this variant has been reported in the ClinVar database (3x uncertain significance) but it has not been reported neither in LOVD nor InSiGHT databases. Based on currently available information, the variant c.3117C>G is classified as an uncertain significance variant according to ClinGen_Insight_ACMG_Specifications_MSH6_v1.0.0.

Quest Diagnostics Nichols Institute San Juan Capistrano
Classification: Uncertain significance. Last evaluated: 2024-12-24. Review status: criteria provided, single submitter. Criteria: Quest Diagnostics criteria. Collection method: clinical testing. Allele origin: unknown.
Comment: The MSH6 c.3117C>G (p.Asn1039Lys) variant has not been reported as a germline variant in individuals with MSH6-related conditions in the published literature. It also has not been reported in large, multi-ethnic general populations (Genome Aggregation Database). Analysis of this variant using bioinformatics tools for the prediction of the effect of amino acid changes on protein structure and function yielded conflicting predictions that this variant is deleterious or benign. Based on the available information, we are unable to determine the clinical significance of this variant.

Labcorp Genetics (formerly Invitae), Labcorp
Classification: Uncertain significance for Hereditary nonpolyposis colorectal neoplasms. Last evaluated: 2024-12-22. Review status: criteria provided, single submitter. Criteria: Invitae Variant Classification Sherloc (09022015). Collection method: clinical testing. Allele origin: germline.
Comment: This sequence change replaces asparagine, which is neutral and polar, with lysine, which is basic and polar, at codon 1039 of the MSH6 protein (p.Asn1039Lys). This variant is not present in population databases (gnomAD no frequency). This variant has not been reported in the literature in individuals affected with MSH6-related conditions. ClinVar contains an entry for this variant (Variation ID: 479945). Invitae Evidence Modeling of protein sequence and biophysical properties (such as structural, functional, and spatial information, amino acid conservation, physicochemical variation, residue mobility, and thermodynamic stability) indicates that this missense variant is not expected to disrupt MSH6 protein function with a negative predictive value of 95%. In summary, the available evidence is currently insufficient to determine the role of this variant in disease. Therefore, it has been classified as a Variant of Uncertain Significance.

Literature cited by the submitters: PubMed 30082870 (cited by Quest Diagnostics Nichols Institute San Juan Capistrano).